The following is an entry in ClinVar:

NM_001134831.2(AHI1):c.1849T>A (p.Phe617Ile)

Gene: AHI1 (Abelson helper integration site 1; minus strand). Cytogenetic location: 6q23.3.
Variant type: single nucleotide variant.
Coding change: c.1849T>A on transcript NM_001134831.2 (MANE Select); coding-DNA position 1849, T replaced by A.
Protein change: p.Phe617Ile; replaces phenylalanine 617 with isoleucine.
Molecular consequence: missense variant.
Genome position (GRCh38, 1-based): chr6:135,442,645, A>T on the plus strand (T>A on the coding strand, the complement: AHI1 is on the minus strand). VCF-style: chr6-135442645-A-T. GRCh37 (hg19) VCF-style: chr6-135763783-A-T.
Other names: c.1849T>A, p.Phe617Ile (NM_001134830.2, NM_001134832.2, NM_001350503.2 and 2 more transcripts); short protein forms F617I.
Identifiers: ClinVar variation 1490676 (VCV001490676.6), dbSNP rs769173709, ClinGen allele CA365744545.

ClinVar aggregate classification (germline): Uncertain significance (1 of 4 stars; one submission).

Conditions:
Joubert syndrome. Also called: CEREBELLOPARENCHYMAL DISORDER IV; JOUBERT-BOLTSHAUSER SYNDROME; Familial aplasia of the vermis. Identifiers: Orphanet 475, MedGen C5979921, MONDO:0018772.

Submission:

Labcorp Genetics (formerly Invitae), Labcorp
Classification: Uncertain significance for Joubert syndrome. Last evaluated: 2022-10-24. Review status: criteria provided, single submitter. Criteria: Invitae Variant Classification Sherloc (09022015). Collection method: clinical testing. Allele origin: germline.
Comment: This sequence change replaces phenylalanine, which is neutral and non-polar, with isoleucine, which is neutral and non-polar, at codon 617 of the AHI1 protein (p.Phe617Ile). This variant is not present in population databases (gnomAD no frequency). This variant has not been reported in the literature in individuals affected with AHI1-related conditions. ClinVar contains an entry for this variant (Variation ID: 1490676). Advanced modeling of protein sequence and biophysical properties (such as structural, functional, and spatial information, amino acid conservation, physicochemical variation, residue mobility, and thermodynamic stability) performed at Invitae indicates that this missense variant is expected to disrupt AHI1 protein function. In summary, the available evidence is currently insufficient to determine the role of this variant in disease. Therefore, it has been classified as a Variant of Uncertain Significance.